The following is an entry in ClinVar:

ClinVar aggregate classification (germline): Pathogenic. Review status: criteria provided, multiple submitters, no conflicts (2 of 4 stars). 7 submissions from 7 submitters: Pathogenic (5). 2 of the submissions do not count toward it. Last evaluated 2024-03-26.

Conditions:
TALDO1-related disorder. Also called: TALDO1-related condition.
Deficiency of transaldolase. Also called: EYAID SYNDROME. Identifiers: Orphanet 101028, MedGen C1291329, MONDO:0011624, OMIM 606003.

Submissions (7):

Genomic Medicine Center of Excellence, King Faisal Specialist Hospital and Research Centre
Classification: Pathogenic for Deficiency of transaldolase. Last evaluated: 2024-03-26. Review status: criteria provided, single submitter. Criteria: ACMG Guidelines, 2015. Collection method: clinical testing. Allele origin: germline.

Labcorp Genetics (formerly Invitae), Labcorp
Classification: Pathogenic. Last evaluated: 2021-08-18. Review status: criteria provided, single submitter. Criteria: Invitae Variant Classification Sherloc (09022015). Collection method: clinical testing. Allele origin: germline.
Comment: This premature translational stop signal has been observed in individual(s) with transaldolase deficiency (PMID: 23315216; Invitae). For these reasons, this variant has been classified as Pathogenic. ClinVar contains an entry for this variant (Variation ID: 162622). This variant is not present in population databases (ExAC no frequency). This sequence change creates a premature translational stop signal (p.Gln265Argfs*56) in the TALDO1 gene. While this is not anticipated to result in nonsense mediated decay, it is expected to disrupt the last 73 amino acid(s) of the TALDO1 protein.

Revvity Omics, Revvity
Classification: Pathogenic for Deficiency of transaldolase. Last evaluated: 2021-05-06. Review status: criteria provided, single submitter. Criteria: ACMG Guidelines, 2015. Collection method: clinical testing. Allele origin: germline.

Blueprint Genetics
Classification: Pathogenic for TALDO1-related disorders. Last evaluated: 2019-05-09. Review status: criteria provided, single submitter. Criteria: ACMG Guidelines, 2015. Collection method: clinical testing. Allele origin: germline. Affected: yes. Observed: 1 variant allele.

Baylor Genetics
Classification: Pathogenic for Deficiency of transaldolase. Last evaluated: 2019-04-19. Review status: criteria provided, single submitter. Criteria: ACMG Guidelines, 2015. Collection method: clinical testing. Allele origin: unknown. Affected: yes.
Comment: This variant was determined to be pathogenic according to ACMG Guidelines, 2015 [PMID:25741868]. This variant has been previously reported as disease-causing [PMID 23315216]

Biochemical Molecular Genetic Laboratory, King Abdulaziz Medical City
Classification: Pathogenic for Deficiency of transaldolase. Last evaluated: 2019-09-26. Review status: no assertion criteria provided. Collection method: clinical testing. Allele origin: germline. Affected: yes. Not counted in ClinVar's aggregate classification.

OMIM
Classification: Pathogenic for TRANSALDOLASE DEFICIENCY. Last evaluated: 2013-11-01. Review status: no assertion criteria provided. Collection method: literature only. Allele origin: germline. Not counted in ClinVar's aggregate classification.

Literature cited by the submitters: PubMed 23315216 (cited by 3 submitters).

NM_006755.2(TALDO1):c.793del (p.Gln265fs)

Gene: TALDO1 (transaldolase 1; plus strand). Cytogenetic location: 11p15.5.
Variant type: Deletion.
Coding change: c.793del on transcript NM_006755.2 (MANE Select); coding-DNA position 793, one base deleted (C; older notation c.793delC).
Protein change: p.Gln265fs; shifts the reading frame from glutamine 265.
Molecular consequence: frameshift variant.
Genome position (GRCh38, 1-based): chr11:763,902, C deleted. VCF-style (leftmost placement, unchanged base first): chr11-763901-GC-G. GRCh37 (hg19) VCF-style: chr11-763901-GC-G.
Other names: c.793delC (NM_006755.1); short protein forms Q265fs.
Identifiers: ClinVar variation 162622 (VCV000162622.16), dbSNP rs727502867, ClinGen allele CA175116.